The following is an entry in ClinVar:

ClinVar aggregate classification (germline): Uncertain significance (1 of 4 stars; one submission).

Conditions:
Hereditary cancer-predisposing syndrome. Also called: Tumor predisposition; Hereditary neoplastic syndrome; Neoplastic Syndromes, Hereditary; Hereditary Cancer Syndrome. Identifiers: Orphanet 140162, MedGen C0027672, MeSH D009386, MONDO:0015356.

Submission:

Ambry Genetics
Classification: Uncertain significance for Hereditary cancer-predisposing syndrome. Last evaluated: 2025-06-02. Review status: criteria provided, single submitter. Criteria: Ambry Variant Classification Scheme 2023. Collection method: clinical testing. Allele origin: germline.
Comment: The p.N298Y variant (also known as c.892A>T), located in coding exon 9 of the BRCA1 gene, results from an A to T substitution at nucleotide position 892. The asparagine at codon 298 is replaced by tyrosine, an amino acid with dissimilar properties. This amino acid position is conserved. In addition, the in silico prediction for this alteration is inconclusive. Based on the available evidence, the clinical significance of this variant remains unclear.

NM_007294.4(BRCA1):c.892A>T (p.Asn298Tyr)

Gene: BRCA1 (BRCA1 DNA repair associated; minus strand). Cytogenetic location: 17q21.31.
Variant type: single nucleotide variant.
Coding change: c.892A>T on transcript NM_007294.4 (MANE Select); coding-DNA position 892, A replaced by T.
Protein change: p.Asn298Tyr; replaces asparagine 298 with tyrosine.
Molecular consequence: missense variant. On other transcripts: intron variant (137).
Genome position (GRCh38, 1-based): chr17:43,094,639, T>A on the plus strand (A>T on the coding strand, the complement: BRCA1 is on the minus strand). VCF-style: chr17-43094639-T-A. GRCh37 (hg19) VCF-style: chr17-41246656-T-A.
Other names: c.556A>T, p.Asn186Tyr (NM_001407956.1, NM_001407958.1, NM_001407954.1 and 1 more transcripts); c.559A>T, p.Asn187Tyr (NM_001407957.1, NM_001407950.1, NM_001407951.1 and 6 more transcripts); c.511A>T, p.Asn171Tyr (NM_001407959.1, NM_001407960.1, NM_001407963.1); c.892A>T, p.Asn298Tyr (NM_001407585.1, NM_001407593.1, NM_001407594.1 and 30 more transcripts); c.889A>T, p.Asn297Tyr (NM_001407587.1, NM_001407590.1, NM_001407591.1 and 22 more transcripts); c.883A>T, p.Asn295Tyr (NM_001407646.1, NM_001407647.1); c.814A>T, p.Asn272Tyr (NM_001407658.1, NM_001407663.1, NM_001407653.1 and 4 more transcripts); c.811A>T, p.Asn271Tyr (NM_001407659.1, NM_001407660.1, NM_001407661.1 and 1 more transcripts); and 40 more; short protein forms N228Y, N251Y, N295Y, N2Y, N130Y, N187Y, N256Y, N271Y.
Identifiers: ClinVar variation 3992634 (VCV003992634.1).